The following is an entry in ClinVar:

ClinVar aggregate classification (germline): Uncertain significance (1 of 4 stars; one submission).

Conditions:
Hereditary cancer-predisposing syndrome. Also called: Tumor predisposition; Hereditary Cancer Syndrome; Neoplastic Syndromes, Hereditary; Hereditary neoplastic syndrome. Identifiers: Orphanet 140162, MedGen C0027672, MeSH D009386, MONDO:0015356.

Submission:

Ambry Genetics
Classification: Uncertain significance for Hereditary cancer-predisposing syndrome. Last evaluated: 2022-04-28. Review status: criteria provided, single submitter. Criteria: Ambry Variant Classification Scheme 2023. Collection method: clinical testing. Allele origin: germline.
Comment: The p.I941N variant (also known as c.2822T>A), located in coding exon 17 of the PTCH1 gene, results from a T to A substitution at nucleotide position 2822. The isoleucine at codon 941 is replaced by asparagine, an amino acid with dissimilar properties. This amino acid position is conserved. In addition, this alteration is predicted to be deleterious by in silico analysis. Since supporting evidence is limited at this time, the clinical significance of this alteration remains unclear.

NM_000264.5(PTCH1):c.2822T>A (p.Ile941Asn)

Gene: PTCH1 (patched 1; minus strand). Cytogenetic location: 9q22.32.
Variant type: single nucleotide variant.
Coding change: c.2822T>A on transcript NM_000264.5 (MANE Select); coding-DNA position 2822, T replaced by A.
Protein change: p.Ile941Asn; replaces isoleucine 941 with asparagine.
Molecular consequence: missense variant. On other transcripts: non-coding transcript variant (1).
Genome position (GRCh38, 1-based): chr9:95,459,665, A>T on the plus strand (T>A on the coding strand, the complement: PTCH1 is on the minus strand). VCF-style: chr9-95459665-A-T. GRCh37 (hg19) VCF-style: chr9-98221947-A-T.
Other names: c.2666T>A, p.Ile889Asn (NM_001354918.2); c.2369T>A, p.Ile790Asn (NM_001083607.3, NM_001083604.3, NM_001083605.3 and 1 more transcripts); c.2624T>A, p.Ile875Asn (NM_001083602.3); c.2819T>A, p.Ile940Asn (NM_001083603.3); short protein forms I790N, I889N, I940N, I941N, I875N.
Identifiers: ClinVar variation 1796463 (VCV001796463.2), dbSNP rs2136671024, ClinGen allele CA374113006.